The following is an entry in ClinVar:

NM_001042492.3(NF1):c.7839del (p.Lys2614fs)

Gene: NF1 (neurofibromin 1; plus strand). Cytogenetic location: 17q11.2.
Variant type: Deletion.
Coding change: c.7839del on transcript NM_001042492.3 (MANE Select); coding-DNA position 7839, one base deleted (G; older notation c.7839delG).
Protein change: p.Lys2614fs; shifts the reading frame from lysine 2614.
Molecular consequence: frameshift variant.
Genome position (GRCh38, 1-based): chr17:31,357,060, G deleted. VCF-style (leftmost placement, unchanged base first): chr17-31357059-CG-C. GRCh37 (hg19) VCF-style: chr17-29684077-CG-C.
Other names: c.7776delG, p.Lys2593Argfs (NM_000267.4); short protein forms K2593fs, K2614fs.
Identifiers: ClinVar variation 955221 (VCV000955221.6), dbSNP rs2070290006, ClinGen allele CA1139665481.

ClinVar aggregate classification (germline): Pathogenic (1 of 4 stars; one submission).

Conditions:
Neurofibromatosis, type 1 (NF1). Also called: VON RECKLINGHAUSEN DISEASE; NEUROFIBROMATOSIS, TYPE I, SOMATIC; Peripheral type neurofibromatosis; Neurofibromatosis, type I. Identifiers: Orphanet 636, MedGen C0027831, MONDO:0018975, OMIM 162200. Disease mechanism: loss of function.

Submission:

Labcorp Genetics (formerly Invitae), Labcorp
Classification: Pathogenic for Neurofibromatosis, type 1. Last evaluated: 2019-10-16. Review status: criteria provided, single submitter. Criteria: Invitae Variant Classification Sherloc (09022015). Collection method: clinical testing. Allele origin: germline.
Comment: Loss-of-function variants in NF1 are known to be pathogenic (PMID: 10712197, 23913538). This sequence change creates a premature translational stop signal (p.Lys2593Argfs*10) in the NF1 gene. It is expected to result in an absent or disrupted protein product. This variant is not present in population databases (ExAC no frequency). This variant has not been reported in the literature in individuals with NF1-related conditions. For these reasons, this variant has been classified as Pathogenic.

Literature cited by the submitters: PubMed 10712197; PubMed 23913538.